The following is an entry in ClinVar:

NM_130837.3(OPA1):c.2982C>T (p.Leu994=)

Gene: OPA1 (OPA1 mitochondrial dynamin like GTPase; plus strand). Cytogenetic location: 3q29.
Variant type: single nucleotide variant.
Coding change: c.2982C>T on transcript NM_130837.3 (MANE Select); coding-DNA position 2982, C replaced by T.
Protein change: p.Leu994=; no amino-acid change (leucine 994 retained).
Molecular consequence: synonymous variant.
Genome position (GRCh38, 1-based): chr3:193,667,279, C>T. VCF-style: chr3-193667279-C-T. GRCh37 (hg19) VCF-style: chr3-193385068-C-T.
Other names: c.2871C>T, p.Leu957= (NM_130834.3); c.2874C>T, p.Leu958= (NM_130835.3); c.2928C>T, p.Leu976= (NM_130836.3); c.2448C>T, p.Leu816= (NM_001354663.2); c.2445C>T, p.Leu815= (NM_001354664.2); c.2817C>T, p.Leu939= (NM_015560.3); c.2709C>T, p.Leu903= (NM_130831.3); c.2763C>T, p.Leu921= (NM_130832.3); and 1 more.
Identifiers: ClinVar variation 2700925 (VCV002700925.3), dbSNP rs2475207167, ClinGen allele CA437442009.

ClinVar aggregate classification (germline): Uncertain significance (1 of 4 stars; one submission).

Submission:

Labcorp Genetics (formerly Invitae), Labcorp
Classification: Uncertain significance. Last evaluated: 2023-12-04. Review status: criteria provided, single submitter. Criteria: Invitae Variant Classification Sherloc (09022015). Collection method: clinical testing. Allele origin: germline.
Comment: This sequence change affects codon 939 of the OPA1 mRNA. It is a 'silent' change, meaning that it does not change the encoded amino acid sequence of the OPA1 protein. It affects a nucleotide within the consensus splice site. This variant is not present in population databases (gnomAD no frequency). This variant has not been reported in the literature in individuals affected with OPA1-related conditions. Algorithms developed to predict the effect of sequence changes on RNA splicing suggest that this variant is not likely to affect RNA splicing. In summary, the available evidence is currently insufficient to determine the role of this variant in disease. Therefore, it has been classified as a Variant of Uncertain Significance.